The following is an entry in ClinVar:

NM_000540.3(RYR1):c.6264G>A (p.Glu2088=)

Gene: RYR1 (ryanodine receptor 1; plus strand). Cytogenetic location: 19q13.2.
Variant type: single nucleotide variant.
Coding change: c.6264G>A on transcript NM_000540.3 (MANE Select); coding-DNA position 6264, G replaced by A.
Protein change: p.Glu2088=; no amino-acid change (glutamic acid 2088 retained).
Molecular consequence: synonymous variant.
Genome position (GRCh38, 1-based): chr19:38,492,626, G>A. VCF-style: chr19-38492626-G-A. GRCh37 (hg19) VCF-style: chr19-38983266-G-A.
Other names: c.6264G>A, p.Glu2088= (NM_001042723.2).
Identifiers: ClinVar variation 2649798 (VCV002649798.24), dbSNP rs2514265469, ClinGen allele CA082009.
Genomic context (GRCh38, chr19:38,492,626, plus strand): 5'-GAAAGTGCGGCTGGTGAAGAAGAAGGAAGAGAAACCTGAGGAGGAGCGGTCAGCAGAGGA[G>A]AGCAAACCCCGTGAGGACTGGGGTCACTGGGGAGAGGGCAGGGGTGGGGTGGGTAGCCCC-3'
Protein context (NP_000531.2, residues 2078-2098): EKPEEERSAE[Glu2088=]SKPRSLQELV

ClinVar aggregate classification (germline): Likely benign (1 of 4 stars; one submission).

Submission:

CeGaT Center for Human Genetics Tuebingen
Classification: Likely benign. Last evaluated: 2022-09-01. Review status: criteria provided, single submitter. Criteria: CeGaT Center For Human Genetics Tuebingen Variant Classification Criteria Version 2. Collection method: clinical testing. Allele origin: germline. Affected: yes. Observed: 1 variant allele.
Comment: RYR1: PM2:Supporting, BP4, BP7